The following is an entry in ClinVar:

ClinVar aggregate classification (germline): Likely benign. Review status: criteria provided, multiple submitters, no conflicts (2 of 4 stars). 3 submissions from 3 submitters: Likely benign (3). Last evaluated 2025-12-28.

Conditions:
Cardiovascular phenotype. Identifiers: MedGen CN230736.
RASopathy. Also called: rasopathies; Noonan spectrum disorder. Identifiers: Orphanet 536391, MedGen C5555857, MONDO:0021060.

Allele frequency attached by ClinVar (database versions not stated): gnomAD exomes 0.00001 and 0.00003; ExAC 0.00005; gnomAD 0.00009; TOPMed 0.00016; 1000 Genomes Project 0.00040; 1000 Genomes Project 30x 0.00062.
gnomAD v4.1: 34 of 1,612,826 alleles (0.0021%); highest among the groups gnomAD compares: Admixed American, 0.018%; no homozygotes.

Submissions (3):

Labcorp Genetics (formerly Invitae), Labcorp
Classification: Likely benign for RASopathy. Last evaluated: 2025-12-28. Review status: criteria provided, single submitter. Criteria: Invitae Variant Classification Sherloc (09022015). Collection method: clinical testing. Allele origin: germline.

Ambry Genetics
Classification: Likely benign for Cardiovascular phenotype. Last evaluated: 2020-05-12. Review status: criteria provided, single submitter. Criteria: Ambry Variant Classification Scheme 2023. Collection method: clinical testing. Allele origin: germline.

Laboratory for Molecular Medicine, Mass General Brigham Personalized Medicine
Classification: Likely benign. Last evaluated: 2016-11-30. Review status: criteria provided, single submitter. Criteria: LMM Criteria. Collection method: clinical testing. Allele origin: germline. Observed: 1 variant allele.
Comment: p.Ala741Ala in exon 14 of CBL: This variant is not expected to have clinical sig nificance because it does not alter an amino acid residue and is not located wit hin the splice consensus sequence. It has been identified in 3/16494 South Asian chromosomes by the Exome Aggregation Consortium (ExAC; dbSNP rs202229538).

NM_005188.4(CBL):c.2223G>A (p.Ala741=)

Gene: CBL (Cbl proto-oncogene; plus strand). Cytogenetic location: 11q23.3.
Variant type: single nucleotide variant.
Coding change: c.2223G>A on transcript NM_005188.4 (MANE Select); coding-DNA position 2223, G replaced by A.
Protein change: p.Ala741=; no amino-acid change (alanine 741 retained).
Molecular consequence: synonymous variant.
Genome position (GRCh38, 1-based): chr11:119,297,453, G>A. VCF-style: chr11-119297453-G-A. GRCh37 (hg19) VCF-style: chr11-119168163-G-A.
Identifiers: ClinVar variation 517192 (VCV000517192.16), dbSNP rs202229538, ClinGen allele CA6318713.